The following is an entry in ClinVar:

ClinVar aggregate classification (germline): Uncertain significance (1 of 4 stars; one submission).

Conditions:
Neurodevelopmental disorder with speech impairment and dysmorphic facies. Identifiers: MedGen C5436699, MONDO:0033630, OMIM 619056.
Epilepsy, early-onset, with or without developmental delay. Identifiers: MedGen C5882670, MONDO:0030005, OMIM 618832.

Submission:

Institute of Human Genetics, University of Goettingen
Classification: Uncertain significance for Epilepsy, early-onset, with or without developmental delay; Neurodevelopmental disorder with speech impairment and dysmorphic facies. Last evaluated: 2025-01-29. Review status: criteria provided, single submitter. Criteria: ACMG Guidelines, 2015. Collection method: clinical testing. Allele origin: unknown. Inheritance: Autosomal dominant inheritance. Affected: yes. Observed: 1 heterozygote.
Comment: The variant c.639G>A (p.(Thr213=)) in exon 5 of the SETD1A-gene is not found in the gnomAD database, it affects a moderately conserved nucleotide. The variation generates a 'Synonymous' as coding effect.Codon ACG changed to ACA. Prediction programs do not provide a clear computational verdict on the pathogenicity of this variant and its effect on the nearest splice site. ACMG criteria used for classification: PM2_sup, PP3.

NM_014712.3(SETD1A):c.639G>A (p.Thr213=)

Gene: SETD1A (SET domain containing 1A, histone lysine methyltransferase; plus strand). Cytogenetic location: 16p11.2.
Variant type: single nucleotide variant.
Coding change: c.639G>A on transcript NM_014712.3 (MANE Select); coding-DNA position 639, G replaced by A.
Protein change: p.Thr213=; no amino-acid change (threonine 213 retained).
Molecular consequence: synonymous variant.
Genome position (GRCh38, 1-based): chr16:30,963,554, G>A. VCF-style: chr16-30963554-G-A. GRCh37 (hg19) VCF-style: chr16-30974875-G-A.
Identifiers: ClinVar variation 4082090 (VCV004082090.1).